The following is an entry in ClinVar:

NM_001330078.2(NRXN1):c.4004C>T (p.Thr1335Ile)

Gene: NRXN1 (neurexin 1; minus strand). Cytogenetic location: 2p16.3.
Variant type: single nucleotide variant.
Coding change: c.4004C>T on transcript NM_001330078.2 (MANE Select); coding-DNA position 4004, C replaced by T.
Protein change: p.Thr1335Ile; replaces threonine 1335 with isoleucine.
Molecular consequence: missense variant.
Genome position (GRCh38, 1-based): chr2:50,053,395, G>A on the plus strand (C>T on the coding strand, the complement: NRXN1 is on the minus strand). VCF-style: chr2-50053395-G-A. GRCh37 (hg19) VCF-style: chr2-50280533-G-A.
Other names: p.T1375I:ACA>ATA; c.4124C>T, p.Thr1375Ile (NM_001135659.3); c.3980C>T, p.Thr1327Ile (NM_001330077.2, NM_001330082.2); c.3848C>T, p.Thr1283Ile (NM_001330083.2); c.3938C>T, p.Thr1313Ile (NM_001330084.2); c.3977C>T, p.Thr1326Ile (NM_001330085.2); c.4004C>T, p.Thr1335Ile (NM_001330086.2); c.3803C>T, p.Thr1268Ile (NM_001330087.2, NM_001330096.2); and 7 more; short protein forms T1375I, T1305I, T1331I, T1335I, T1288I, T300I, T1268I, T1278I.
Identifiers: ClinVar variation 206281 (VCV000206281.27), dbSNP rs200672080, ClinGen allele CA204683.
Genomic context (GRCh38, chr2:50,053,395, plus strand): 5'-GTAGTCTCCATAATTGATGTGGACATCTCTGATTGCATGGCAGTGGCTGTTGACTCAGTT[G>A]TCATAGAGGAAGGCACTTCACCAACCAGTCTCACATTTCCCACTATGGCGATGTTGGCAT-3'
Protein context (NP_001317007.1, residues 1325-1345): RLVGEVPSSM[Thr1335Ile]TESTATAMQS

ClinVar aggregate classification (germline): Conflicting classifications of pathogenicity. Review status: criteria provided, conflicting classifications (1 of 4 stars). 5 submissions from 5 submitters: Uncertain significance (3); Likely benign (2). Last evaluated 2025-11-25.

Conditions:
Inborn genetic diseases. Identifiers: MedGen C0950123, MeSH D030342.
Pitt-Hopkins-like syndrome 2 (PTHSL2). Identifiers: Orphanet 221150, Orphanet 600663, MedGen C3280479, MONDO:0013690, OMIM 614325.

Allele frequency attached by ClinVar (database versions not stated): gnomAD exomes 0.00012 and 0.00006; gnomAD 0.00006; ExAC 0.00007; ESP Exome Variant Server 0.00008; TOPMed 0.00010.
gnomAD v4.1: 110 of 1,613,880 alleles (0.0068%); highest among the groups gnomAD compares: Non-Finnish European, 0.00085%; no homozygotes.

Submissions (5):

Labcorp Genetics (formerly Invitae), Labcorp
Classification: Likely benign for Pitt-Hopkins-like syndrome 2. Last evaluated: 2025-11-25. Review status: criteria provided, single submitter. Criteria: Invitae Variant Classification Sherloc (09022015). Collection method: clinical testing. Allele origin: germline.

GeneDx
Classification: Likely benign. Last evaluated: 2018-10-17. Review status: criteria provided, single submitter. Criteria: GeneDx Variant Classification Process June 2021. Collection method: clinical testing. Allele origin: germline. Affected: yes.

Illumina Laboratory Services, Illumina
Classification: Uncertain significance for Pitt-Hopkins-like syndrome 2. Last evaluated: 2018-01-13. Review status: criteria provided, single submitter. Criteria: ICSL Variant Classification Criteria 13 December 2019. Collection method: clinical testing. Allele origin: germline.

Genetic Services Laboratory, University of Chicago
Classification: Uncertain significance. Last evaluated: 2016-02-11. Review status: criteria provided, single submitter. Criteria: ACMG Guidelines, 2015. Collection method: clinical testing. Allele origin: germline. Affected: no.

Ambry Genetics
Classification: Uncertain significance for Inborn genetic diseases. Last evaluated: 2013-05-10. Review status: criteria provided, single submitter. Criteria: Ambry Autosomal Dominant and X-Linked criteria (10/2015). Collection method: clinical testing. Allele origin: germline. Observed: 1 variant allele.
Comment: There is insufficient or conflicting evidence for classification of this alteration.